The following is an entry in ClinVar:

NM_004360.5(CDH1):c.1181C>G (p.Thr394Ser)

Gene: CDH1 (cadherin 1; plus strand). Cytogenetic location: 16q22.1.
Variant type: single nucleotide variant.
Coding change: c.1181C>G on transcript NM_004360.5 (MANE Select); coding-DNA position 1181, C replaced by G.
Protein change: p.Thr394Ser; replaces threonine 394 with serine.
Molecular consequence: missense variant. On other transcripts: 5 prime UTR variant (2), intron variant (1).
Genome position (GRCh38, 1-based): chr16:68,813,356, C>G. VCF-style: chr16-68813356-C-G. GRCh37 (hg19) VCF-style: chr16-68847259-C-G.
Other names: c.-435C>G (NM_001317185.2); c.-639C>G (NM_001317186.2); c.1137+1093C>G (NM_001317184.2); short protein forms T394S.
Identifiers: ClinVar variation 1742297 (VCV001742297.6), dbSNP rs1332444039, ClinGen allele CA396461200.
Genomic context (GRCh38, chr16:68,813,356, plus strand): 5'-ATCTCTTTGCTCTGCAGTACAAGGGTCAGGTGCCTGAGAACGAGGCTAACGTCGTAATCA[C>G]CACACTGAAAGTGACTGATGCTGATGCCCCCAATACCCCAGCGTGGGAGGCTGTATACAC-3'
Protein context (NP_004351.1, residues 384-404): VPENEANVVI[Thr394Ser]TLKVTDADAP

ClinVar aggregate classification (germline): Conflicting classifications of pathogenicity. Review status: criteria provided, conflicting classifications (1 of 4 stars). 2 submissions from 2 submitters: Uncertain significance (1); Likely benign (1). Last evaluated 2026-06-12.

Conditions:
Hereditary cancer-predisposing syndrome. Also called: Neoplastic Syndromes, Hereditary; Tumor predisposition; Hereditary Cancer Syndrome; Hereditary neoplastic syndrome. Identifiers: Orphanet 140162, MedGen C0027672, MeSH D009386, MONDO:0015356.
Hereditary diffuse gastric adenocarcinoma (HDGC). Also called: DIFFUSE GASTRIC AND LOBULAR BREAST CANCER SYNDROME. Identifiers: Orphanet 26106, MedGen C1708349, MONDO:0007648, OMIM 137215.

Submissions (2):

Ambry Genetics
Classification: Likely benign for Hereditary cancer-predisposing syndrome. Last evaluated: 2026-06-12. Review status: criteria provided, single submitter. Criteria: Ambry Variant Classification Scheme 2023. Collection method: clinical testing. Allele origin: germline.

Labcorp Genetics (formerly Invitae), Labcorp
Classification: Uncertain significance for Hereditary diffuse gastric adenocarcinoma. Last evaluated: 2025-01-07. Review status: criteria provided, single submitter. Criteria: Invitae Variant Classification Sherloc (09022015). Collection method: clinical testing. Allele origin: germline.
Comment: This sequence change replaces threonine, which is neutral and polar, with serine, which is neutral and polar, at codon 394 of the CDH1 protein (p.Thr394Ser). This variant is not present in population databases (gnomAD no frequency). This variant has not been reported in the literature in individuals affected with CDH1-related conditions. ClinVar contains an entry for this variant (Variation ID: 1742297). An algorithm developed to predict the effect of missense changes on protein structure and function (PolyPhen-2) suggests that this variant is likely to be tolerated. In summary, the available evidence is currently insufficient to determine the role of this variant in disease. Therefore, it has been classified as a Variant of Uncertain Significance.